The following is an entry in ClinVar:

ClinVar aggregate classification (germline): Uncertain significance (1 of 4 stars; one submission).

Conditions:
Chopra-Amiel-Gordon syndrome (CAGS). Also called: ANKRD17-Related Neurodevelopmental Syndrome. Identifiers: MedGen C5561975, MONDO:0859186, OMIM 619504.

gnomAD v4.1: 1 of 1,609,744 alleles (0.000062%); highest among the groups gnomAD compares: Non-Finnish European, 0.000085%; no homozygotes.

Submission:

Mendelics
Classification: Uncertain significance for Chopra-Amiel-Gordon syndrome. Last evaluated: 2026-03-05. Review status: criteria provided, single submitter. Criteria: ACMG Guidelines, 2015. Collection method: clinical testing. Allele origin: unknown.
Comment: The available evidence is insufficient to conclusively determine the role of this variant. Therefore, it is classified as a Variant of Uncertain Significance.

NM_032217.5(ANKRD17):c.1675G>T (p.Asp559Tyr)

Gene: ANKRD17 (ankyrin repeat domain 17; minus strand). Cytogenetic location: 4q13.3.
Variant type: single nucleotide variant.
Coding change: c.1675G>T on transcript NM_032217.5 (MANE Select); coding-DNA position 1675, G replaced by T.
Protein change: p.Asp559Tyr; replaces aspartic acid 559 with tyrosine.
Molecular consequence: missense variant.
Genome position (GRCh38, 1-based): chr4:73,147,325, C>A on the plus strand (G>T on the coding strand, the complement: ANKRD17 is on the minus strand). VCF-style: chr4-73147325-C-A. GRCh37 (hg19) VCF-style: chr4-74013042-C-A.
Other names: c.1336G>T, p.Asp446Tyr (NM_001286771.3); c.1675G>T, p.Asp559Tyr (NM_015574.2, NM_198889.3); short protein forms D446Y, D559Y.
Identifiers: ClinVar variation 4813603 (VCV004813603.1).
Genomic context (GRCh38, chr4:73,147,325, plus strand): 5'-ACTCCAAATGACCCTCTTGAGCAGCTTCCATTAAAGGGGTAGAACACCCTAGTTCTATAT[C>A]GGCTCCTGCCTTAATTAGAAAGTCTGCCACTTCCAGAAAGCCTCCACAGCAAGCCAGAGT-3'
Protein context (NP_115593.3, residues 549-569): VADFLIKAGA[Asp559Tyr]IELGCSTPLM